The following is an entry in ClinVar:

ClinVar aggregate classification (germline): Uncertain significance (1 of 4 stars; one submission).

Conditions:
Severe combined immunodeficiency due to IKK2 deficiency. Also called: IMMUNODEFICIENCY 15B; Immunodeficiency 15. Identifiers: Orphanet 397787, MedGen C4747743, MONDO:0014267, OMIM 615592.

Allele frequency attached by ClinVar (database versions not stated): TOPMed below 0.00001.

Submission:

Labcorp Genetics (formerly Invitae), Labcorp
Classification: Uncertain significance for Severe combined immunodeficiency due to IKK2 deficiency. Last evaluated: 2020-05-21. Review status: criteria provided, single submitter. Criteria: Invitae Variant Classification Sherloc (09022015). Collection method: clinical testing. Allele origin: germline.
Comment: In summary, the available evidence is currently insufficient to determine the role of this variant in disease. Therefore, it has been classified as a Variant of Uncertain Significance. Algorithms developed to predict the effect of missense changes on protein structure and function (SIFT, PolyPhen-2, Align-GVGD) all suggest that this variant is likely to be disruptive, but these predictions have not been confirmed by published functional studies and their clinical significance is uncertain. This variant has not been reported in the literature in individuals with IKBKB-related conditions. This variant is not present in population databases (ExAC no frequency). This sequence change replaces methionine with threonine at codon 317 of the IKBKB protein (p.Met317Thr). The methionine residue is highly conserved and there is a moderate physicochemical difference between methionine and threonine.

NM_001556.3(IKBKB):c.950T>C (p.Met317Thr)

Gene: IKBKB (inhibitor of nuclear factor kappa B kinase subunit beta; plus strand). Cytogenetic location: 8p11.21.
Variant type: single nucleotide variant.
Coding change: c.950T>C on transcript NM_001556.3 (MANE Select); coding-DNA position 950, T replaced by C.
Protein change: p.Met317Thr; replaces methionine 317 with threonine.
Molecular consequence: missense variant. On other transcripts: non-coding transcript variant (3).
Genome position (GRCh38, 1-based): chr8:42,316,729, T>C. VCF-style: chr8-42316729-T-C. GRCh37 (hg19) VCF-style: chr8-42174247-T-C.
Other names: c.758T>C, p.Met253Thr (NM_001190720.3); c.773T>C, p.Met258Thr (NM_001242778.2); short protein forms M317T, M253T, M258T.
Identifiers: ClinVar variation 1041688 (VCV001041688.5), dbSNP rs1818752101, ClinGen allele CA371084770.